The following is an entry in ClinVar:

NM_018249.6(CDK5RAP2):c.1922A>G (p.Asn641Ser)

Gene: CDK5RAP2 (CDK5 regulatory subunit associated protein 2; minus strand). Cytogenetic location: 9q33.2.
Variant type: single nucleotide variant.
Coding change: c.1922A>G on transcript NM_018249.6 (MANE Select); coding-DNA position 1922, A replaced by G.
Protein change: p.Asn641Ser; replaces asparagine 641 with serine.
Molecular consequence: missense variant. On other transcripts: non-coding transcript variant (5).
Genome position (GRCh38, 1-based): chr9:120,470,157, T>C on the plus strand (A>G on the coding strand, the complement: CDK5RAP2 is on the minus strand). VCF-style: chr9-120470157-T-C. GRCh37 (hg19) VCF-style: chr9-123232435-T-C.
Other names: c.1922A>G (NM_018249.4); c.1922A>G, p.Asn641Ser (NM_001011649.3, NM_001410993.1); c.1919A>G, p.Asn640Ser (NM_001272039.2, NM_001410992.1, NM_001410994.1); short protein forms N640S, N641S.
Identifiers: ClinVar variation 2883528 (VCV002883528.4), dbSNP rs144072765, ClinGen allele CA5214223.

ClinVar aggregate classification (germline): Uncertain significance. Review status: criteria provided, multiple submitters, no conflicts (2 of 4 stars). 2 submissions from 2 submitters: Uncertain significance (2). Last evaluated 2024-11-04.

Conditions:
Inborn genetic diseases. Identifiers: MedGen C0950123, MeSH D030342.

Allele frequency attached by ClinVar (database versions not stated): gnomAD 0.00004; TOPMed 0.00006; ESP Exome Variant Server 0.00023.
gnomAD v4.1: 19 of 1,597,426 alleles (0.0012%); highest among the groups gnomAD compares: African/African-American, 0.017%; no homozygotes.

Submissions (2):

Labcorp Genetics (formerly Invitae), Labcorp
Classification: Uncertain significance. Last evaluated: 2024-11-04. Review status: criteria provided, single submitter. Criteria: Invitae Variant Classification Sherloc (09022015). Collection method: clinical testing. Allele origin: germline.
Comment: This sequence change replaces asparagine, which is neutral and polar, with serine, which is neutral and polar, at codon 641 of the CDK5RAP2 protein (p.Asn641Ser). This variant is present in population databases (rs144072765, gnomAD 0.009%). This variant has not been reported in the literature in individuals affected with CDK5RAP2-related conditions. ClinVar contains an entry for this variant (Variation ID: 2883528). An algorithm developed to predict the effect of missense changes on protein structure and function outputs the following: PolyPhen-2: "Benign". The serine amino acid residue is found in multiple mammalian species, which suggests that this missense change does not adversely affect protein function. In summary, the available evidence is currently insufficient to determine the role of this variant in disease. Therefore, it has been classified as a Variant of Uncertain Significance.

Ambry Genetics
Classification: Uncertain significance for Inborn genetic diseases. Last evaluated: 2023-11-03. Review status: criteria provided, single submitter. Criteria: Ambry Variant Classification Scheme 2023. Collection method: clinical testing. Allele origin: germline.